The following is an entry in ClinVar:

NM_001928.4(CFD):c.164T>C (p.Leu55Pro)

Gene: CFD (complement factor D; plus strand). Cytogenetic location: 19p13.3.
Variant type: single nucleotide variant.
Coding change: c.164T>C on transcript NM_001928.4 (MANE Select); coding-DNA position 164, T replaced by C.
Protein change: p.Leu55Pro; replaces leucine 55 with proline.
Molecular consequence: missense variant.
Genome position (GRCh38, 1-based): chr19:860,725, T>C. VCF-style: chr19-860725-T-C. GRCh37 (hg19) VCF-style: chr19-860725-T-C.
Other names: c.185T>C, p.Leu62Pro (NM_001317335.2); short protein forms L55P, L62P.
Identifiers: ClinVar variation 1413043 (VCV001413043.6), dbSNP rs2035776375, ClinGen allele CA402920733.

ClinVar aggregate classification (germline): Uncertain significance (1 of 4 stars; one submission).

Allele frequency attached by ClinVar (database versions not stated): gnomAD 0.00001.

Submission:

Labcorp Genetics (formerly Invitae), Labcorp
Classification: Uncertain significance. Last evaluated: 2021-03-08. Review status: criteria provided, single submitter. Criteria: Invitae Variant Classification Sherloc (09022015). Collection method: clinical testing. Allele origin: germline.
Comment: In summary, the available evidence is currently insufficient to determine the role of this variant in disease. Therefore, it has been classified as a Variant of Uncertain Significance. Algorithms developed to predict the effect of missense changes on protein structure and function are either unavailable or do not agree on the potential impact of this missense change (SIFT: "Not Available"; PolyPhen-2: "Probably Damaging"; Align-GVGD: "Not Available"). This variant has not been reported in the literature in individuals with CFD-related conditions. This variant is not present in population databases (ExAC no frequency). This sequence change replaces leucine with proline at codon 55 of the CFD protein (p.Leu55Pro). The leucine residue is highly conserved and there is a moderate physicochemical difference between leucine and proline.